The following is an entry in ClinVar:

NM_021975.4(RELA):c.1378C>G (p.Pro460Ala)

Gene: RELA (RELA proto-oncogene, NF-kB subunit; minus strand). Cytogenetic location: 11q13.1.
Variant type: single nucleotide variant.
Coding change: c.1378C>G on transcript NM_021975.4 (MANE Select); coding-DNA position 1378, C replaced by G.
Protein change: p.Pro460Ala; replaces proline 460 with alanine.
Molecular consequence: missense variant. On other transcripts: intron variant (1).
Genome position (GRCh38, 1-based): chr11:65,654,656, G>C on the plus strand (C>G on the coding strand, the complement: RELA is on the minus strand). VCF-style: chr11-65654656-G-C. GRCh37 (hg19) VCF-style: chr11-65422127-G-C.
Other names: c.1369C>G, p.Pro457Ala (NM_001145138.2); c.1171C>G, p.Pro391Ala (NM_001243984.2); c.1411C>G, p.Pro471Ala (NM_001404657.1); c.1351C>G, p.Pro451Ala (NM_001404658.1); c.1165C>G, p.Pro389Ala (NM_001404659.1); c.1060C>G, p.Pro354Ala (NM_001404660.1); c.997C>G, p.Pro333Ala (NM_001404661.1); c.1285C>G, p.Pro429Ala (NM_001404662.1, NM_001404663.1); and 1 more; short protein forms P391A, P429A, P451A, P460A, P333A, P354A, P389A, P457A.
Identifiers: ClinVar variation 3005810 (VCV003005810.3), dbSNP rs2496825073, ClinGen allele CA381387107.
Genomic context (GRCh38, chr11:65,654,656, plus strand): 5'-GGTTCAGCAGCTGCTGAAACTCGGAGTTGTCGACGGATGCCAGGTCTGTGAACACAGCTG[G>C]GTCTGTGCTGTTGCCAAGCAAGGCCCCCAGGTCTTCATCATCAAACTGCAGCTGCAGCAG-3'
Protein context (NP_068810.3, residues 450-470): LGALLGNSTD[Pro460Ala]AVFTDLASVD

ClinVar aggregate classification (germline): Uncertain significance (1 of 4 stars; one submission).

Allele frequency attached by ClinVar (database versions not stated): gnomAD exomes below 0.00001.
gnomAD v4.1: 1 of 1,577,336 alleles (0.000063%); highest among the groups gnomAD compares: Non-Finnish European, 0.000086%; no homozygotes.

Submission:

Labcorp Genetics (formerly Invitae), Labcorp
Classification: Uncertain significance. Last evaluated: 2023-06-15. Review status: criteria provided, single submitter. Criteria: Invitae Variant Classification Sherloc (09022015). Collection method: clinical testing. Allele origin: germline.
Comment: This variant is not present in population databases (gnomAD no frequency). This sequence change replaces proline, which is neutral and non-polar, with alanine, which is neutral and non-polar, at codon 460 of the RELA protein (p.Pro460Ala). This variant has not been reported in the literature in individuals affected with RELA-related conditions. In summary, the available evidence is currently insufficient to determine the role of this variant in disease. Therefore, it has been classified as a Variant of Uncertain Significance. An algorithm developed to predict the effect of missense changes on protein structure and function (PolyPhen-2) suggests that this variant is likely to be disruptive.